The following is an entry in ClinVar:

NM_016169.4(SUFU):c.677T>C (p.Val226Ala)

Gene: SUFU (SUFU negative regulator of hedgehog signaling; plus strand). Cytogenetic location: 10q24.32.
Variant type: single nucleotide variant.
Coding change: c.677T>C on transcript NM_016169.4 (MANE Select); coding-DNA position 677, T replaced by C.
Protein change: p.Val226Ala; replaces valine 226 with alanine.
Molecular consequence: missense variant.
Genome position (GRCh38, 1-based): chr10:102,593,715, T>C. VCF-style: chr10-102593715-T-C. GRCh37 (hg19) VCF-style: chr10-104353472-T-C.
Other names: c.677T>C, p.Val226Ala (NM_001178133.2); short protein forms V226A.
Identifiers: ClinVar variation 1498745 (VCV001498745.9), dbSNP rs895181370, ClinGen allele CA212266197.

ClinVar aggregate classification (germline): Uncertain significance. Review status: criteria provided, multiple submitters, no conflicts (2 of 4 stars). 2 submissions from 2 submitters: Uncertain significance (2). Last evaluated 2025-03-02.

Conditions:
Medulloblastoma (MDB). Also called: Medulloblastoma, somatic; MEDULLOBLASTOMA PREDISPOSITION SYNDROME. Identifiers: Orphanet 616, MedGen C0025149, MeSH D008527, MONDO:0007959, OMIM 155255, HP:0002885.
Gorlin syndrome. Also called: Nevoid Basal Cell Carcinoma Syndrome; Basal cell nevus syndrome. Identifiers: Orphanet 377, MedGen C0004779, MONDO:0007187.
Hereditary cancer-predisposing syndrome. Also called: Tumor predisposition; Hereditary neoplastic syndrome; Neoplastic Syndromes, Hereditary; Hereditary Cancer Syndrome. Identifiers: Orphanet 140162, MedGen C0027672, MeSH D009386, MONDO:0015356.

Allele frequency attached by ClinVar (database versions not stated): TOPMed 0.00002.

Submissions (2):

Labcorp Genetics (formerly Invitae), Labcorp
Classification: Uncertain significance for Gorlin syndrome; Medulloblastoma. Last evaluated: 2025-03-02. Review status: criteria provided, single submitter. Criteria: Invitae Variant Classification Sherloc (09022015). Collection method: clinical testing. Allele origin: germline.
Comment: This sequence change replaces valine, which is neutral and non-polar, with alanine, which is neutral and non-polar, at codon 226 of the SUFU protein (p.Val226Ala). This variant is not present in population databases (gnomAD no frequency). This variant has not been reported in the literature in individuals affected with SUFU-related conditions. ClinVar contains an entry for this variant (Variation ID: 1498745). Invitae Evidence Modeling of protein sequence and biophysical properties (such as structural, functional, and spatial information, amino acid conservation, physicochemical variation, residue mobility, and thermodynamic stability) indicates that this missense variant is not expected to disrupt SUFU protein function with a negative predictive value of 80%. In summary, the available evidence is currently insufficient to determine the role of this variant in disease. Therefore, it has been classified as a Variant of Uncertain Significance.

Ambry Genetics
Classification: Uncertain significance for Hereditary cancer-predisposing syndrome. Last evaluated: 2024-11-28. Review status: criteria provided, single submitter. Criteria: Ambry Variant Classification Scheme 2023. Collection method: clinical testing. Allele origin: germline.
Comment: The p.V226A variant (also known as c.677T>C), located in coding exon 5 of the SUFU gene, results from a T to C substitution at nucleotide position 677. The valine at codon 226 is replaced by alanine, an amino acid with similar properties. This amino acid position is conserved. In addition, the in silico prediction for this alteration is inconclusive. Since supporting evidence is limited at this time, the clinical significance of this alteration remains unclear.